The following is an entry in ClinVar:

NM_001372.4(DNAH9):c.13233+5A>T

Gene: DNAH9 (dynein axonemal heavy chain 9; plus strand). Cytogenetic location: 17p12.
Variant type: single nucleotide variant.
Coding change: c.13233+5A>T on transcript NM_001372.4 (MANE Select); 5 bases into the intron after coding-DNA position 13233, A replaced by T.
Molecular consequence: intron variant.
Genome position (GRCh38, 1-based): chr17:11,962,261, A>T. VCF-style: chr17-11962261-A-T. GRCh37 (hg19) VCF-style: chr17-11865578-A-T.
Other names: c.2169+5A>T (NM_004662.2).
Identifiers: ClinVar variation 1980977 (VCV001980977.2), dbSNP rs373354130, ClinGen allele CA8398369.

ClinVar aggregate classification (germline): Uncertain significance (1 of 4 stars; one submission).

Allele frequency attached by ClinVar (database versions not stated): ExAC 0.00001; gnomAD exomes 0.00001; gnomAD 0.00007; TOPMed 0.00011; ESP Exome Variant Server 0.00015.
gnomAD v4.1: 23 of 1,584,414 alleles (0.0015%); highest among the groups gnomAD compares: African/African-American, 0.019%; no homozygotes.

Submission:

Labcorp Genetics (formerly Invitae), Labcorp
Classification: Uncertain significance. Last evaluated: 2022-10-21. Review status: criteria provided, single submitter. Criteria: Invitae Variant Classification Sherloc (09022015). Collection method: clinical testing. Allele origin: germline.
Comment: This variant is present in population databases (rs373354130, gnomAD 0.02%). In summary, the available evidence is currently insufficient to determine the role of this variant in disease. Therefore, it has been classified as a Variant of Uncertain Significance. Variants that disrupt the consensus splice site are a relatively common cause of aberrant splicing (PMID: 17576681, 9536098). Algorithms developed to predict the effect of sequence changes on RNA splicing suggest that this variant is not likely to affect RNA splicing. This variant has not been reported in the literature in individuals affected with DNAH9-related conditions. This sequence change falls in intron 68 of the DNAH9 gene. It does not directly change the encoded amino acid sequence of the DNAH9 protein. It affects a nucleotide within the consensus splice site.

Literature cited by the submitters: PubMed 17576681; PubMed 9536098.